The following is an entry in ClinVar:

NM_001365951.3(KIF1B):c.256T>A (p.Phe86Ile)

Gene: KIF1B (kinesin family member 1B; plus strand). Cytogenetic location: 1p36.22.
Variant type: single nucleotide variant.
Coding change: c.256T>A on transcript NM_001365951.3 (MANE Select); coding-DNA position 256, T replaced by A.
Protein change: p.Phe86Ile; replaces phenylalanine 86 with isoleucine.
Molecular consequence: missense variant.
Genome position (GRCh38, 1-based): chr1:10,258,565, T>A. VCF-style: chr1-10258565-T-A. GRCh37 (hg19) VCF-style: chr1-10318623-T-A.
Other names: c.256T>A, p.Phe86Ile (NM_001365952.1, NM_001365953.1, NM_015074.3 and 1 more transcripts); short protein forms F86I.
Identifiers: ClinVar variation 1793234 (VCV001793234.3), dbSNP rs1176904595, ClinGen allele CA338325124.

ClinVar aggregate classification (germline): Uncertain significance (1 of 4 stars; one submission).

Allele frequency attached by ClinVar (database versions not stated): gnomAD exomes below 0.00001; gnomAD 0.00001.
gnomAD v4.1: 5 of 1,614,030 alleles (0.00031%); highest among the groups gnomAD compares: Non-Finnish European, 0.00042%; no homozygotes.

Submission:

Ambry Genetics
Classification: Uncertain significance. Last evaluated: 2025-06-24. Review status: criteria provided, single submitter. Criteria: Ambry Variant Classification Scheme 2023. Collection method: clinical testing. Allele origin: germline.
Comment: The p.F86I variant (also known as c.256T>A), located in coding exon 3 of the KIF1B gene, results from a T to A substitution at nucleotide position 256. The phenylalanine at codon 86 is replaced by isoleucine, an amino acid with highly similar properties. This amino acid position is highly conserved in available vertebrate species. In addition, this alteration is predicted to be deleterious by in silico analysis. Since supporting evidence is limited at this time, the clinical significance of this alteration remains unclear.